The following is an entry in ClinVar:

NM_001017975.6(HFM1):c.2308G>A (p.Asp770Asn)

Gene: HFM1 (helicase for meiosis 1; minus strand). Cytogenetic location: 1p22.2.
Variant type: single nucleotide variant.
Coding change: c.2308G>A on transcript NM_001017975.6 (MANE Select); coding-DNA position 2308, G replaced by A.
Protein change: p.Asp770Asn; replaces aspartic acid 770 with asparagine.
Molecular consequence: missense variant.
Genome position (GRCh38, 1-based): chr1:91,343,457, C>T on the plus strand (G>A on the coding strand, the complement: HFM1 is on the minus strand). VCF-style: chr1-91343457-C-T. GRCh37 (hg19) VCF-style: chr1-91809014-C-T.
Other names: short protein forms D770N.
Identifiers: ClinVar variation 435416 (VCV000435416.10), dbSNP rs143399622, ClinGen allele CA945977.

ClinVar aggregate classification (germline): Benign. Review status: criteria provided, multiple submitters, no conflicts (2 of 4 stars). 3 submissions from 3 submitters: Benign (2). 1 of the submissions does not count toward it. Last evaluated 2017-04-24.

Conditions:
HFM1-related disorder. Also called: HFM1-related condition.

Allele frequency attached by ClinVar (database versions not stated): gnomAD exomes 0.00184 and 0.00284; TOPMed 0.00203; gnomAD 0.00225 and 0.00233; ESP Exome Variant Server 0.00256; ExAC 0.00268.
gnomAD v4.1: 3,932 of 1,444,094 alleles (0.27%); highest among the groups gnomAD compares: Non-Finnish European, 0.35%; 10 homozygotes.

Submissions (3):

Genetic Services Laboratory, University of Chicago
Classification: Benign. Last evaluated: 2017-04-24. Review status: criteria provided, single submitter. Criteria: ACMG Guidelines, 2015. Collection method: clinical testing. Allele origin: germline. Affected: no.

Breakthrough Genomics
Classification: Benign. Review status: criteria provided, single submitter. Criteria: ACMG Guidelines, 2015. Collection method: not provided. Allele origin: germline. Inheritance: Autosomal recessive inheritance. Affected: yes.

PreventionGenetics, part of Exact Sciences
Classification: Likely benign for HFM1-related condition. Last evaluated: 2022-02-03. Review status: no assertion criteria provided. Collection method: clinical testing. Allele origin: germline. Not counted in ClinVar's aggregate classification.
Comment: This variant is classified as likely benign based on ACMG/AMP sequence variant interpretation guidelines (Richards et al. 2015 PMID: 25741868, with internal and published modifications).